The following is an entry in ClinVar:

NM_020745.4(AARS2):c.1329T>A (p.Cys443Ter)

Gene: AARS2 (alanyl-tRNA synthetase 2, mitochondrial; minus strand). Cytogenetic location: 6p21.1.
Variant type: single nucleotide variant.
Coding change: c.1329T>A on transcript NM_020745.4 (MANE Select); coding-DNA position 1329, T replaced by A.
Protein change: p.Cys443Ter; replaces cysteine 443 with a stop codon.
Molecular consequence: nonsense.
Genome position (GRCh38, 1-based): chr6:44,305,758, A>T on the plus strand (T>A on the coding strand, the complement: AARS2 is on the minus strand). VCF-style: chr6-44305758-A-T. GRCh37 (hg19) VCF-style: chr6-44273495-A-T.
Other names: short protein forms C443*.
Identifiers: ClinVar variation 2064057 (VCV002064057.18), dbSNP rs935008073, ClinGen allele CA364339265.

ClinVar aggregate classification (germline): Pathogenic. Review status: criteria provided, multiple submitters, no conflicts (2 of 4 stars). 2 submissions from 2 submitters: Pathogenic (2). Last evaluated 2024-10-01.

Allele frequency attached by ClinVar (database versions not stated): gnomAD exomes 0.00001; gnomAD 0.00009.
gnomAD v4.1: 18 of 1,614,004 alleles (0.0011%); highest among the groups gnomAD compares: Admixed American, 0.025%; no homozygotes.

Submissions (2):

CeGaT Center for Human Genetics Tuebingen
Classification: Pathogenic. Last evaluated: 2024-10-01. Review status: criteria provided, single submitter. Criteria: CeGaT Center For Human Genetics Tuebingen Variant Classification Criteria Version 2. Collection method: clinical testing. Allele origin: germline. Affected: yes. Observed: 1 variant allele.
Comment: AARS2: PVS1, PM2

Labcorp Genetics (formerly Invitae), Labcorp
Classification: Pathogenic. Last evaluated: 2022-01-04. Review status: criteria provided, single submitter. Criteria: Invitae Variant Classification Sherloc (09022015). Collection method: clinical testing. Allele origin: germline.
Comment: For these reasons, this variant has been classified as Pathogenic. Algorithms developed to predict the effect of sequence changes on RNA splicing suggest that this variant may create or strengthen a splice site. This variant has not been reported in the literature in individuals affected with AARS2-related conditions. This variant is present in population databases (no rsID available, gnomAD 0.006%). This sequence change creates a premature translational stop signal (p.Cys443*) in the AARS2 gene. It is expected to result in an absent or disrupted protein product. Loss-of-function variants in AARS2 are known to be pathogenic (PMID: 24808023, 30285085, 30819764).

Literature cited by the submitters: PubMed 24808023 (cited by Labcorp Genetics (formerly Invitae), Labcorp); PubMed 30285085 (cited by Labcorp Genetics (formerly Invitae), Labcorp); PubMed 30819764 (cited by Labcorp Genetics (formerly Invitae), Labcorp).